The following is an entry in ClinVar:

ClinVar aggregate classification (germline): Likely benign. Review status: criteria provided, multiple submitters, no conflicts (2 of 4 stars). 2 submissions from 2 submitters: Likely benign (2). Last evaluated 2024-12-30.

Conditions:
TTC21B-related disorder. Also called: TTC21B-related disorders; TTC21B-related condition.
Jeune thoracic dystrophy. Also called: Short-rib thoracic dysplasia; Jeune syndrome; Infantile thoracic dystrophy; Thoracic pelvic phalangeal dystrophy; Jeune's syndrome; Chondroectodermal dysplasia-like syndrome. Identifiers: Orphanet 474, MedGen C0265275, MONDO:0018770.
Nephronophthisis. Also called: Juvenile Nephronophthisis. Identifiers: Orphanet 655, MedGen C0687120, MONDO:0019005, HP:0000090.

Submissions (2):

PreventionGenetics, part of Exact Sciences
Classification: Likely benign for TTC21B-related condition. Last evaluated: 2024-12-30. Review status: criteria provided, single submitter. Criteria: ACMG Guidelines, 2015. Collection method: clinical testing. Allele origin: germline.
Comment: This variant is classified as likely benign based on ACMG/AMP sequence variant interpretation guidelines (Richards et al. 2015 PMID: 25741868, with internal and published modifications).

Labcorp Genetics (formerly Invitae), Labcorp
Classification: Likely benign for Jeune thoracic dystrophy; Nephronophthisis. Last evaluated: 2022-08-16. Review status: criteria provided, single submitter. Criteria: Invitae Variant Classification Sherloc (09022015). Collection method: clinical testing. Allele origin: germline.

NM_024753.5(TTC21B):c.2328C>T (p.Ile776=)

Gene: TTC21B (tetratricopeptide repeat domain 21B; minus strand). Cytogenetic location: 2q24.3.
Variant type: single nucleotide variant.
Coding change: c.2328C>T on transcript NM_024753.5 (MANE Select); coding-DNA position 2328, C replaced by T.
Protein change: p.Ile776=; no amino-acid change (isoleucine 776 retained).
Molecular consequence: synonymous variant.
Genome position (GRCh38, 1-based): chr2:165,911,460, G>A on the plus strand (C>T on the coding strand, the complement: TTC21B is on the minus strand). VCF-style: chr2-165911460-G-A. GRCh37 (hg19) VCF-style: chr2-166767970-G-A.
Other names: c.2328C>T (NM_024753.4).
Identifiers: ClinVar variation 1610127 (VCV001610127.9), dbSNP rs916756048, ClinGen allele CA429899190.